The following is an entry in ClinVar:

NM_000478.6(ALPL):c.1141C>G (p.His381Asp)

Gene: ALPL (alkaline phosphatase, biomineralization associated; plus strand). Cytogenetic location: 1p36.12.
Variant type: single nucleotide variant.
Coding change: c.1141C>G on transcript NM_000478.6 (MANE Select); coding-DNA position 1141, C replaced by G.
Protein change: p.His381Asp; replaces histidine 381 with aspartic acid.
Molecular consequence: missense variant.
Genome position (GRCh38, 1-based): chr1:21,575,876, C>G. VCF-style: chr1-21575876-C-G. GRCh37 (hg19) VCF-style: chr1-21902369-C-G.
Other names: c.976C>G, p.His326Asp (NM_001127501.4); c.910C>G, p.His304Asp (NM_001177520.3); c.1141C>G, p.His381Asp (NM_001369803.2, NM_001369804.2, NM_001369805.2); short protein forms H304D, H326D, H381D.
Identifiers: ClinVar variation 3362108 (VCV003362108.1).

ClinVar aggregate classification (germline): Uncertain significance (1 of 4 stars; one submission).

Submission:

GeneDx
Classification: Uncertain significance. Last evaluated: 2023-05-24. Review status: criteria provided, single submitter. Criteria: GeneDx Variant Classification Process June 2021. Collection method: clinical testing. Allele origin: germline. Affected: yes.
Comment: Not observed at significant frequency in large population cohorts (gnomAD); In silico analysis supports that this missense variant has a deleterious effect on protein structure/function; Has not been previously published as pathogenic or benign to our knowledge